The following is an entry in ClinVar:

NM_000535.7(PMS2):c.2406_2407dup (p.Val803fs)

Gene: PMS2 (PMS1 homolog 2, mismatch repair system component; minus strand). Cytogenetic location: 7p22.1.
Variant type: Duplication.
Coding change: c.2406_2407dup on transcript NM_000535.7 (MANE Select); coding-DNA positions 2406 to 2407, 2 bases duplicated (AG; older notation c.2406_2407dupAG).
Protein change: p.Val803fs; shifts the reading frame from valine 803.
Molecular consequence: frameshift variant. On other transcripts: non-coding transcript variant (1).
Genome position (GRCh38, 1-based): chr7:5,977,626-5,977,627, CT duplicated on the plus strand (AG on the coding strand, the reverse complement: PMS2 is on the minus strand); duplicating any 2 consecutive bases within chr7:5,977,626-5,977,628 gives the same sequence; the c. name uses the placement nearest the transcript's 3' end. VCF-style (leftmost placement, unchanged base first): chr7-5977625-A-ACT. GRCh37 (hg19) VCF-style: chr7-6017256-A-ACT.
Other names: c.2406_2407dupAG (NM_000535.5); c.2001_2002dup, p.Val668fs (NM_001322003.2, NM_001322004.2, NM_001322005.2 and 11 more transcripts); c.2250_2251dup, p.Val751fs (NM_001322006.2); c.2088_2089dup, p.Val697fs (NM_001322007.2, NM_001322008.2, NM_001406883.1); c.2034_2035dup, p.Val679fs (NM_001322009.2, NM_001406887.1, NM_001406888.1); c.1845_1846dup, p.Val616fs (NM_001322010.2, NM_001406906.1, NM_001406907.1); c.1473_1474dup, p.Val492fs (NM_001322011.2, NM_001322012.2); c.1833_1834dup, p.Val612fs (NM_001322013.2, NM_001406908.1, NM_001406909.1); and 21 more; short protein forms V612fs, V697fs, V747fs, V755fs, V767fs, V546fs, V645fs, V679fs.
Identifiers: ClinVar variation 5026904 (VCV005026904.1).

ClinVar aggregate classification (germline): Pathogenic (1 of 4 stars; one submission).

Conditions:
Hereditary cancer-predisposing syndrome. Also called: Neoplastic Syndromes, Hereditary; Tumor predisposition; Hereditary neoplastic syndrome; Hereditary Cancer Syndrome. Identifiers: Orphanet 140162, MedGen C0027672, MeSH D009386, MONDO:0015356.

Submission:

Ambry Genetics
Classification: Pathogenic for Hereditary cancer-predisposing syndrome. Last evaluated: 2026-07-01. Review status: criteria provided, single submitter. Criteria: Ambry Variant Classification Scheme 2023. Collection method: clinical testing. Allele origin: germline.
Comment: The c.2406_2407dupAG pathogenic mutation, located in coding exon 14 of the PMS2 gene, results from a duplication of AG at nucleotide position 2406, causing a translational frameshift with a predicted alternate stop codon (p.V803Efs*15). This variant occurs at the 3' terminus of the gene, is not expected to trigger nonsense-mediated mRNA decay, and impacts the last 7% of the protein. However, premature stop codons are typically deleterious in nature and a significant portion of the protein is affected and the impacted region is critical for protein function (Ambry internal data). This variant is considered to be rare based on population cohorts in the Genome Aggregation Database (gnomAD). Based on the supporting evidence, this variant is interpreted as a disease-causing mutation.